The following is an entry in ClinVar:

NM_017617.5(NOTCH1):c.6491A>G (p.Lys2164Arg)

Gene: NOTCH1 (notch receptor 1; minus strand). Cytogenetic location: 9q34.3.
Variant type: single nucleotide variant.
Coding change: c.6491A>G on transcript NM_017617.5 (MANE Select); coding-DNA position 6491, A replaced by G.
Protein change: p.Lys2164Arg; replaces lysine 2164 with arginine.
Molecular consequence: missense variant.
Genome position (GRCh38, 1-based): chr9:136,497,248, T>C on the plus strand (A>G on the coding strand, the complement: NOTCH1 is on the minus strand). VCF-style: chr9-136497248-T-C. GRCh37 (hg19) VCF-style: chr9-139391700-T-C.
Other names: short protein forms K2164R.
Identifiers: ClinVar variation 5025797 (VCV005025797.1).

ClinVar aggregate classification (germline): Uncertain significance (1 of 4 stars; one submission).

Conditions:
Familial thoracic aortic aneurysm and aortic dissection (TAAD). Also called: Thoracic aortic aneurysms and dissections. Identifiers: Orphanet 91387, MedGen C4707243, MONDO:0019625.

gnomAD v4.1: 5 of 1,612,126 alleles (0.00031%); highest among the groups gnomAD compares: Admixed American, 0.0067%; no homozygotes.

Submission:

Ambry Genetics
Classification: Uncertain significance for Familial thoracic aortic aneurysm and aortic dissection. Last evaluated: 2026-07-04. Review status: criteria provided, single submitter. Criteria: Ambry Variant Classification Scheme 2023. Collection method: clinical testing. Allele origin: germline.
Comment: The p.K2164R variant (also known as c.6491A>G), located in coding exon 34 of the NOTCH1 gene, results from an A to G substitution at nucleotide position 6491. The lysine at codon 2164 is replaced by arginine, an amino acid with highly similar properties. This amino acid position is conserved. In addition, the in silico prediction for this alteration is inconclusive. Based on the available evidence, the clinical significance of this variant remains unclear.